The following is an entry in ClinVar:

ClinVar aggregate classification (germline): Uncertain significance. Review status: criteria provided, multiple submitters, no conflicts (2 of 4 stars). 2 submissions from 2 submitters: Uncertain significance (2). Last evaluated 2024-02-20.

Conditions:
Joubert syndrome 17 (JBTS17). Identifiers: Orphanet 475, MedGen C3553264, MONDO:0013824, OMIM 614615.
Orofaciodigital syndrome type 6 (OFD6). Also called: OROFACIODIGITAL SYNDROME VI; OFDS VI; POLYDACTYLY, CLEFT LIP/PALATE OR LINGUAL LUMP, AND PSYCHOMOTOR RETARDATION; VARADI SYNDROME; VARADI-PAPP SYNDROME; Oral-facial-digital syndrome type 6. Identifiers: Orphanet 2754, MedGen C2745997, MONDO:0010176, OMIM 277170.

Allele frequency attached by ClinVar (database versions not stated): gnomAD exomes below 0.00001; TOPMed below 0.00001; ExAC 0.00001.
gnomAD v4.1: 1 of 1,614,082 alleles (0.000062%); highest among the groups gnomAD compares: Non-Finnish European, 0.000085%; no homozygotes.

Submissions (2):

Fulgent Genetics
Classification: Uncertain significance for Orofaciodigital syndrome type 6; Joubert syndrome 17. Last evaluated: 2024-02-20. Review status: criteria provided, single submitter. Criteria: ACMG Guidelines, 2015. Collection method: clinical testing. Allele origin: germline.

Labcorp Genetics (formerly Invitae), Labcorp
Classification: Uncertain significance. Last evaluated: 2024-02-05. Review status: criteria provided, single submitter. Criteria: Invitae Variant Classification Sherloc (09022015). Collection method: clinical testing. Allele origin: germline.
Comment: This sequence change replaces histidine, which is basic and polar, with tyrosine, which is neutral and polar, at codon 3094 of the CPLANE1 protein (p.His3094Tyr). This variant is present in population databases (rs760642862, gnomAD no frequency). This variant has not been reported in the literature in individuals affected with CPLANE1-related conditions. ClinVar contains an entry for this variant (Variation ID: 2017435). Advanced modeling of protein sequence and biophysical properties (such as structural, functional, and spatial information, amino acid conservation, physicochemical variation, residue mobility, and thermodynamic stability) performed at Invitae indicates that this missense variant is not expected to disrupt CPLANE1 protein function with a negative predictive value of 95%. In summary, the available evidence is currently insufficient to determine the role of this variant in disease. Therefore, it has been classified as a Variant of Uncertain Significance.

NM_001384732.1(CPLANE1):c.9442C>T (p.His3148Tyr)

Gene: CPLANE1 (ciliogenesis and planar polarity effector complex subunit 1; minus strand). Cytogenetic location: 5p13.2.
Variant type: single nucleotide variant.
Coding change: c.9442C>T on transcript NM_001384732.1 (MANE Select); coding-DNA position 9442, C replaced by T.
Protein change: p.His3148Tyr; replaces histidine 3148 with tyrosine.
Molecular consequence: missense variant.
Genome position (GRCh38, 1-based): chr5:37,108,430, G>A on the plus strand (C>T on the coding strand, the complement: CPLANE1 is on the minus strand). VCF-style: chr5-37108430-G-A. GRCh37 (hg19) VCF-style: chr5-37108532-G-A.
Other names: c.9280C>T (NM_023073.3); c.9280C>T, p.His3094Tyr (NM_023073.4); short protein forms H3094Y, H3148Y.
Identifiers: ClinVar variation 2017435 (VCV002017435.5), dbSNP rs760642862, ClinGen allele CA3237443.